The following is an entry in ClinVar:

NM_021167.5(GATAD1):c.170G>A (p.Gly57Asp)

Genes: GATAD1 (GATA zinc finger domain containing 1; plus strand), LOC129998793 (ATAC-STARR-seq lymphoblastoid silent region 18371; plus strand). Cytogenetic location: 7q21.2.
Variant type: single nucleotide variant.
Coding change: c.170G>A on transcript NM_021167.5 (MANE Select); coding-DNA position 170, G replaced by A.
Protein change: p.Gly57Asp; replaces glycine 57 with aspartic acid.
Molecular consequence: missense variant. On other transcripts: non-coding transcript variant (1).
Genome position (GRCh38, 1-based): chr7:92,447,899, G>A. VCF-style: chr7-92447899-G-A. GRCh37 (hg19) VCF-style: chr7-92077213-G-A.
Other names: short protein forms G57D.
Identifiers: ClinVar variation 2563693 (VCV002563693.2), dbSNP rs946556857, ClinGen allele CA161960833.

ClinVar aggregate classification (germline): Uncertain significance (1 of 4 stars; one submission).

Conditions:
Cardiovascular phenotype. Identifiers: MedGen CN230736.

Submission:

Ambry Genetics
Classification: Uncertain significance for Cardiovascular phenotype. Last evaluated: 2023-04-09. Review status: criteria provided, single submitter. Criteria: Ambry Variant Classification Scheme 2023. Collection method: clinical testing. Allele origin: germline.
Comment: The p.G57D variant (also known as c.170G>A), located in coding exon 1 of the GATAD1 gene, results from a G to A substitution at nucleotide position 170. The glycine at codon 57 is replaced by aspartic acid, an amino acid with similar properties. This amino acid position is conserved. In addition, the in silico prediction for this alteration is inconclusive. Since supporting evidence is limited at this time, the clinical significance of this alteration remains unclear.